The following is an entry in ClinVar:

NM_001394062.1(MACF1):c.11353G>A (p.Asp3785Asn)

Gene: MACF1 (microtubule actin crosslinking factor 1; plus strand). Cytogenetic location: 1p34.3.
Variant type: single nucleotide variant.
Coding change: c.11353G>A on transcript NM_001394062.1 (MANE Select); coding-DNA position 11353, G replaced by A.
Protein change: p.Asp3785Asn; replaces aspartic acid 3785 with asparagine.
Molecular consequence: missense variant.
Genome position (GRCh38, 1-based): chr1:39,353,160, G>A. VCF-style: chr1-39353160-G-A. GRCh37 (hg19) VCF-style: chr1-39818832-G-A.
Other names: c.5167G>A, p.Asp1723Asn (NM_012090.5); short protein forms D1723N, D3785N.
Identifiers: ClinVar variation 2702107 (VCV002702107.3), dbSNP rs2522293205, ClinGen allele CA339816360.
Genomic context (GRCh38, chr1:39,353,160, plus strand): 5'-CTGACCAACCTTCCAGGAATGGAGCAGCTCTCGGGAGCTAGCTTGGAGAAAGGAGCCTTG[G>A]ACACCACTGATGGTTACATGGGGGTGAATCAAGCCCCAGAGAAACTGGACAAGCAATGTG-3'
Protein context (NP_001380991.1, residues 3775-3795): SGASLEKGAL[Asp3785Asn]TTDGYMGVNQ

ClinVar aggregate classification (germline): Uncertain significance (1 of 4 stars; one submission).

Submission:

Labcorp Genetics (formerly Invitae), Labcorp
Classification: Uncertain significance. Last evaluated: 2023-12-18. Review status: criteria provided, single submitter. Criteria: Invitae Variant Classification Sherloc (09022015). Collection method: clinical testing. Allele origin: germline.
Comment: This sequence change replaces aspartic acid, which is acidic and polar, with asparagine, which is neutral and polar, at codon 1723 of the MACF1 protein (p.Asp1723Asn). This variant is not present in population databases (gnomAD no frequency). This variant has not been reported in the literature in individuals affected with MACF1-related conditions. An algorithm developed to predict the effect of missense changes on protein structure and function (PolyPhen-2) suggests that this variant is likely to be tolerated. In summary, the available evidence is currently insufficient to determine the role of this variant in disease. Therefore, it has been classified as a Variant of Uncertain Significance.